The following is an entry in ClinVar:

NM_001042492.3(NF1):c.7971-17C>G

Gene: NF1 (neurofibromin 1; plus strand). Cytogenetic location: 17q11.2.
Variant type: single nucleotide variant.
Coding change: c.7971-17C>G on transcript NM_001042492.3 (MANE Select); 17 bases into the intron before coding-DNA position 7971, C replaced by G.
Molecular consequence: intron variant.
Genome position (GRCh38, 1-based): chr17:31,358,463, C>G. VCF-style: chr17-31358463-C-G. GRCh37 (hg19) VCF-style: chr17-29685481-C-G.
Other names: c.7908-17C>G (NM_000267.4, NM_000267.3).
Identifiers: ClinVar variation 3631084 (VCV003631084.4).

ClinVar aggregate classification (germline): Conflicting classifications of pathogenicity. Review status: criteria provided, conflicting classifications (1 of 4 stars). 3 submissions from 3 submitters: Likely pathogenic (1); Uncertain significance (2). Last evaluated 2025-11-17.

Conditions:
Neurofibromatosis, type 1 (NF1). Also called: VON RECKLINGHAUSEN DISEASE; Peripheral type neurofibromatosis; NEUROFIBROMATOSIS, TYPE I, SOMATIC; Neurofibromatosis, type I. Identifiers: Orphanet 636, MedGen C0027831, MONDO:0018975, OMIM 162200. Disease mechanism: loss of function.
Cardiovascular phenotype. Identifiers: MedGen CN230736.
Hereditary cancer-predisposing syndrome. Also called: Hereditary Cancer Syndrome; Hereditary neoplastic syndrome; Neoplastic Syndromes, Hereditary; Tumor predisposition. Identifiers: Orphanet 140162, MedGen C0027672, MeSH D009386, MONDO:0015356.

Submissions (3):

Ambry Genetics
Classification: Uncertain significance for Cardiovascular phenotype; Hereditary cancer-predisposing syndrome. Last evaluated: 2025-11-17. Review status: criteria provided, single submitter. Criteria: Ambry Variant Classification Scheme 2023. Collection method: clinical testing. Allele origin: germline.
Comment: The c.7908-17C>G intronic variant results from a C to G substitution 17 nucleotides upstream from coding exon 54 in the NF1 gene. This variant was identified in 1 of 565 unrelated French probands with clinical diagnoses or suspicion of NF1 (Sabbagh A et al. Hum Mutat, 2013 Nov;34:1510-8). This nucleotide position is well conserved in available vertebrate species. In silico splice site analysis predicts that this alteration may weaken the native splice acceptor site. RNA studies have associated this variant with skipping of exon 54 (Sabbagh A et al. Hum Mutat, 2013 Nov;34:1510-8). Based on the available evidence, the clinical significance of this variant remains unclear.

Labcorp Genetics (formerly Invitae), Labcorp
Classification: Uncertain significance for Neurofibromatosis, type 1. Last evaluated: 2024-02-13. Review status: criteria provided, single submitter. Criteria: Invitae Variant Classification Sherloc (09022015). Collection method: clinical testing. Allele origin: germline.
Comment: This sequence change falls in intron 53 of the NF1 gene. It does not directly change the encoded amino acid sequence of the NF1 protein. This variant is not present in population databases (gnomAD no frequency). This variant has been observed in individual(s) with clinical features of neurofibromatosis (PMID: 23913538). Studies have shown that this variant is associated with inconclusive levels of altered splicing (PMID: 32126153). In summary, the available evidence is currently insufficient to determine the role of this variant in disease. Therefore, it has been classified as a Variant of Uncertain Significance.

Department of Pathology and Laboratory Medicine, Sinai Health System
Classification: Likely pathogenic for neurofibromatosis type 1. Review status: criteria provided, single submitter. Criteria: ACMG Guidelines, 2015. Collection method: clinical testing. Allele origin: germline.

Literature cited by the submitters: PubMed 23913538 (cited by Ambry Genetics and Labcorp Genetics (formerly Invitae), Labcorp); PubMed 32126153 (cited by Labcorp Genetics (formerly Invitae), Labcorp).